The following is an entry in ClinVar:

NM_002448.3(MSX1):c.-2G>A

Genes: MSX1 (msh homeobox 1; plus strand), LOC129992137 (ATAC-STARR-seq lymphoblastoid silent region 15219; plus strand). Cytogenetic location: 4p16.2.
Variant type: single nucleotide variant.
Coding change: c.-2G>A on transcript NM_002448.3 (MANE Select); 2 bases upstream of the start codon, G replaced by A.
Molecular consequence: 5 prime UTR variant.
Genome position (GRCh38, 1-based): chr4:4,859,898, G>A. VCF-style: chr4-4859898-G-A. GRCh37 (hg19) VCF-style: chr4-4861625-G-A.
Identifiers: ClinVar variation 3253517 (VCV003253517.1), dbSNP rs1445547684.

ClinVar aggregate classification (germline): Uncertain significance (1 of 4 stars; one submission).

Submission:

GeneDx
Classification: Uncertain significance. Last evaluated: 2023-12-16. Review status: criteria provided, single submitter. Criteria: GeneDx Variant Classification Process June 2021. Collection method: clinical testing. Allele origin: germline. Affected: yes.
Comment: Not observed at significant frequency in large population cohorts (gnomAD); Has not been previously published as pathogenic or benign to our knowledge